The following is an entry in ClinVar:

NM_000179.3(MSH6):c.3509T>C (p.Ile1170Thr)

Gene: MSH6 (mutS homolog 6; plus strand). Cytogenetic location: 2p16.3.
Variant type: single nucleotide variant.
Coding change: c.3509T>C on transcript NM_000179.3 (MANE Select); coding-DNA position 3509, T replaced by C.
Protein change: p.Ile1170Thr; replaces isoleucine 1170 with threonine.
Molecular consequence: missense variant.
Genome position (GRCh38, 1-based): chr2:47,804,980, T>C. VCF-style: chr2-47804980-T-C. GRCh37 (hg19) VCF-style: chr2-48032119-T-C.
Other names: c.3119T>C, p.Ile1040Thr (NM_001281492.2); c.2603T>C, p.Ile868Thr (NM_001281493.2, NM_001281494.2); short protein forms I1040T, I868T, I1170T.
Identifiers: ClinVar variation 823865 (VCV000823865.11), dbSNP rs1572738741, ClinGen allele CA346760187.
Genomic context (GRCh38, chr2:47,804,980, plus strand): 5'-TAGCTGTAATGGCCCAGATGGGTTGTTACGTCCCTGCTGAAGTGTGCAGGCTCACACCAA[T>C]TGATAGAGTGTTTACTAGACTTGGTGCCTCAGACAGAATAATGTCAGGTGAGTTTTTTGT-3'
Protein context (NP_000170.1, residues 1160-1180): VPAEVCRLTP[Ile1170Thr]DRVFTRLGAS

ClinVar aggregate classification (germline): Uncertain significance. Review status: criteria provided, multiple submitters, no conflicts (2 of 4 stars). 4 submissions from 4 submitters: Uncertain significance (4). Last evaluated 2024-05-02.

Conditions:
Hereditary cancer-predisposing syndrome. Also called: Neoplastic Syndromes, Hereditary; Tumor predisposition; Hereditary neoplastic syndrome; Hereditary Cancer Syndrome. Identifiers: Orphanet 140162, MedGen C0027672, MeSH D009386, MONDO:0015356.
Hereditary nonpolyposis colorectal neoplasms. Identifiers: MedGen C0009405, MeSH D003123.

Submissions (4):

GeneDx
Classification: Uncertain significance. Last evaluated: 2024-05-02. Review status: criteria provided, single submitter. Criteria: GeneDx Variant Classification Process June 2021. Collection method: clinical testing. Allele origin: germline. Affected: yes.
Comment: Not observed at significant frequency in large population cohorts (gnomAD); In silico analysis supports that this missense variant has a deleterious effect on protein structure/function; Has not been previously published as pathogenic or benign to our knowledge; This variant is associated with the following publications: (PMID: 17531815, 21120944)

Color Diagnostics, LLC DBA Color Health
Classification: Uncertain significance for Hereditary cancer-predisposing syndrome. Last evaluated: 2024-03-31. Review status: criteria provided, single submitter. Criteria: ACMG Guidelines, 2015. Collection method: clinical testing. Allele origin: germline.
Comment: This missense variant replaces isoleucine with threonine at codon 1170 of the MSH6 protein. Computational prediction suggests that this variant may have deleterious impact on protein structure and function (internally defined REVEL score threshold >= 0.7, PMID: 27666373). To our knowledge, functional studies have not been reported for this variant. This variant has not been reported in individuals affected with MSH6-related disorders in the literature. This variant has not been identified in the general population by the Genome Aggregation Database (gnomAD). The available evidence is insufficient to determine the role of this variant in disease conclusively. Therefore, this variant is classified as a Variant of Uncertain Significance.

Labcorp Genetics (formerly Invitae), Labcorp
Classification: Uncertain significance for Hereditary nonpolyposis colorectal neoplasms. Last evaluated: 2024-03-12. Review status: criteria provided, single submitter. Criteria: Invitae Variant Classification Sherloc (09022015). Collection method: clinical testing. Allele origin: germline.
Comment: This sequence change replaces isoleucine, which is neutral and non-polar, with threonine, which is neutral and polar, at codon 1170 of the MSH6 protein (p.Ile1170Thr). This variant is not present in population databases (gnomAD no frequency). This variant has not been reported in the literature in individuals affected with MSH6-related conditions. ClinVar contains an entry for this variant (Variation ID: 823865). Advanced modeling of protein sequence and biophysical properties (such as structural, functional, and spatial information, amino acid conservation, physicochemical variation, residue mobility, and thermodynamic stability) performed at Invitae indicates that this missense variant is not expected to disrupt MSH6 protein function with a negative predictive value of 95%. In summary, the available evidence is currently insufficient to determine the role of this variant in disease. Therefore, it has been classified as a Variant of Uncertain Significance.

Ambry Genetics
Classification: Uncertain significance for Hereditary cancer-predisposing syndrome. Last evaluated: 2023-11-20. Review status: criteria provided, single submitter. Criteria: Ambry Variant Classification Scheme 2023. Collection method: clinical testing. Allele origin: germline.
Comment: The p.I1170T variant (also known as c.3509T>C), located in coding exon 6 of the MSH6 gene, results from a T to C substitution at nucleotide position 3509. The isoleucine at codon 1170 is replaced by threonine, an amino acid with similar properties. This amino acid position is not well conserved in available vertebrate species. In addition, the in silico prediction for this alteration is inconclusive. Since supporting evidence is limited at this time, the clinical significance of this alteration remains unclear.